The following is an entry in ClinVar:

NM_001330260.2(SCN8A):c.4850G>T (p.Arg1617Leu)

Gene: SCN8A (sodium voltage-gated channel alpha subunit 8; plus strand). Cytogenetic location: 12q13.13.
Variant type: single nucleotide variant.
Coding change: c.4850G>T on transcript NM_001330260.2 (MANE Select); coding-DNA position 4850, G replaced by T.
Protein change: p.Arg1617Leu; replaces arginine 1617 with leucine.
Molecular consequence: missense variant.
Genome position (GRCh38, 1-based): chr12:51,806,336, G>T. VCF-style: chr12-51806336-G-T. GRCh37 (hg19) VCF-style: chr12-52200120-G-T.
Other names: c.4727G>T, p.Arg1576Leu (NM_001177984.3, NM_001369788.1); c.4850G>T, p.Arg1617Leu (NM_014191.4); short protein forms R1576L, R1617L.
Identifiers: ClinVar variation 976197 (VCV000976197.10), dbSNP rs587777721, ClinGen allele CA384880375.
Genomic context (GRCh38, chr12:51,806,336, plus strand): 5'-TCTTAGGAATGTTCCTGGCAGATATAATTGAGAAATACTTTGTTTCCCCAACCCTATTCC[G>T]AGTCATCCGATTGGCCCGTATTGGGCGCATCTTGCGTCTGATCAAAGGCGCCAAAGGGAT-3'
Protein context (NP_001317189.1, residues 1607-1627): EKYFVSPTLF[Arg1617Leu]VIRLARIGRI

ClinVar aggregate classification (germline): Pathogenic/Likely pathogenic. Review status: criteria provided, multiple submitters, no conflicts (2 of 4 stars). 2 submissions from 2 submitters: Pathogenic (1); Likely pathogenic (1). Last evaluated 2022-03-22.

Conditions:
Developmental and epileptic encephalopathy, 13 (DEE13). Also called: Early infantile epileptic encephalopathy 13; SCN8A-Related Epilepsy; Developmental and Epileptic Encephalopathy (SCN8A-DEE). Identifiers: Orphanet 442835, MedGen C3281191, MONDO:0013801, OMIM 614558.
Early-infantile DEE. Also called: Ohtahara syndrome; Early infantile epileptic encephalopathy; Early infantile epileptic encephalopathy with suppression bursts. Identifiers: Orphanet 1934, MedGen C0393706, MONDO:0800491.

Submissions (2):

Labcorp Genetics (formerly Invitae), Labcorp
Classification: Pathogenic for Early-infantile DEE. Last evaluated: 2022-03-22. Review status: criteria provided, single submitter. Criteria: Invitae Variant Classification Sherloc (09022015). Collection method: clinical testing. Allele origin: germline.
Comment: Algorithms developed to predict the effect of sequence changes on RNA splicing suggest that this variant may disrupt the consensus splice site. Algorithms developed to predict the effect of missense changes on protein structure and function are either unavailable or do not agree on the potential impact of this missense change (SIFT: "Deleterious"; PolyPhen-2: "Probably Damaging"; Align-GVGD: "Class C0"). For these reasons, this variant has been classified as Pathogenic. This variant disrupts the p.Arg1617 amino acid residue in SCN8A. Other variant(s) that disrupt this residue have been determined to be pathogenic (PMID: 23020937, 25046240, 25568300, 25785782, 29588952). This suggests that this residue is clinically significant, and that variants that disrupt this residue are likely to be disease-causing. This missense change has been observed in individual(s) with clinical features of developmental and epileptic encephalopathy (PMID: 29720203; Invitae). In at least one individual the variant was observed to be de novo. This variant is not present in population databases (gnomAD no frequency). This sequence change replaces arginine, which is basic and polar, with leucine, which is neutral and non-polar, at codon 1617 of the SCN8A protein (p.Arg1617Leu). ClinVar contains an entry for this variant (Variation ID: 976197).

Institute of Human Genetics, University of Leipzig Medical Center
Classification: Likely pathogenic for Developmental and epileptic encephalopathy, 13. Last evaluated: 2017-11-20. Review status: criteria provided, single submitter. Criteria: ACMG Guidelines, 2015. Collection method: clinical testing. Allele origin: germline. Affected: yes. Observed: 1 variant allele.

Literature cited by the submitters: PubMed 23020937 (cited by Labcorp Genetics (formerly Invitae), Labcorp); PubMed 25046240 (cited by Labcorp Genetics (formerly Invitae), Labcorp); PubMed 25568300 (cited by Labcorp Genetics (formerly Invitae), Labcorp); PubMed 25785782 (cited by Labcorp Genetics (formerly Invitae), Labcorp); PubMed 29588952 (cited by Labcorp Genetics (formerly Invitae), Labcorp); PubMed 29720203 (cited by Labcorp Genetics (formerly Invitae), Labcorp).